The following is an entry in ClinVar:

ClinVar aggregate classification (germline): Pathogenic (1 of 4 stars; one submission).

Submission:

Labcorp Genetics (formerly Invitae), Labcorp
Classification: Pathogenic. Last evaluated: 2023-07-13. Review status: criteria provided, single submitter. Criteria: Invitae Variant Classification Sherloc (09022015). Collection method: clinical testing. Allele origin: germline.
Comment: This sequence change creates a premature translational stop signal (p.Gly156Glufs*3) in the CYP27B1 gene. It is expected to result in an absent or disrupted protein product. Loss-of-function variants in CYP27B1 are known to be pathogenic (PMID: 9837822, 17488797). For these reasons, this variant has been classified as Pathogenic. This variant has not been reported in the literature in individuals affected with CYP27B1-related conditions. This variant is not present in population databases (gnomAD no frequency).

Literature cited by the submitters: PubMed 9837822; PubMed 17488797.

NM_000785.4(CYP27B1):c.467del (p.Gly156fs)

Gene: CYP27B1 (cytochrome P450 family 27 subfamily B member 1; minus strand). Cytogenetic location: 12q14.1.
Variant type: Deletion.
Coding change: c.467del on transcript NM_000785.4 (MANE Select); coding-DNA position 467, one base deleted (G; older notation c.467delG).
Protein change: p.Gly156fs; shifts the reading frame from glycine 156.
Molecular consequence: frameshift variant.
Genome position (GRCh38, 1-based): chr12:57,765,419, C deleted on the plus strand (G on the coding strand, the reverse complement: CYP27B1 is on the minus strand); the first of 2 consecutive C bases (chr12:57,765,419-57,765,420); deleting either gives the same sequence. VCF-style (leftmost placement, unchanged base first): chr12-57765418-TC-T. GRCh37 (hg19) VCF-style: chr12-58159201-TC-T.
Other names: short protein forms G156fs.
Identifiers: ClinVar variation 2743001 (VCV002743001.3), dbSNP rs2540917506, ClinGen allele CA2697559313.
Genomic context (GRCh38, chr12:57,765,418, plus strand): 5'-GCCACGTCCCCGCTGGCGCCTCAGACGCCGCACAAGGTCGCAGACTACGTTGTTCAGGGT[TC>T]CGGCGTAGCGGGCGGCCGCTTGAGGCCGGAGGAGGAGCGGGGCCAGGAGACTGCGGAGCC-3'